The following is an entry in ClinVar:

ClinVar aggregate classification (germline): Uncertain significance (1 of 4 stars; one submission).

Submission:

Labcorp Genetics (formerly Invitae), Labcorp
Classification: Uncertain significance. Last evaluated: 2022-02-03. Review status: criteria provided, single submitter. Criteria: Invitae Variant Classification Sherloc (09022015). Collection method: clinical testing. Allele origin: germline.
Comment: In summary, the available evidence is currently insufficient to determine the role of this variant in disease. Therefore, it has been classified as a Variant of Uncertain Significance. Algorithms developed to predict the effect of sequence changes on RNA splicing suggest that this variant may create or strengthen a splice site. Algorithms developed to predict the effect of missense changes on protein structure and function (SIFT, PolyPhen-2, Align-GVGD) all suggest that this variant is likely to be tolerated. This variant has not been reported in the literature in individuals affected with NUP205-related conditions. This variant is not present in population databases (gnomAD no frequency). This sequence change replaces alanine, which is neutral and non-polar, with glycine, which is neutral and non-polar, at codon 684 of the NUP205 protein (p.Ala684Gly).

NM_015135.3(NUP205):c.2051C>G (p.Ala684Gly)

Gene: NUP205 (nucleoporin 205; plus strand). Cytogenetic location: 7q33.
Variant type: single nucleotide variant.
Coding change: c.2051C>G on transcript NM_015135.3 (MANE Select); coding-DNA position 2051, C replaced by G.
Protein change: p.Ala684Gly; replaces alanine 684 with glycine.
Molecular consequence: missense variant.
Genome position (GRCh38, 1-based): chr7:135,597,405, C>G. VCF-style: chr7-135597405-C-G. GRCh37 (hg19) VCF-style: chr7-135282153-C-G.
Other names: c.977C>G, p.Ala326Gly (NM_001329434.2); short protein forms A684G, A326G.
Identifiers: ClinVar variation 2158319 (VCV002158319.4), dbSNP rs766540918, ClinGen allele CA369335652.